The following is an entry in ClinVar:

ClinVar aggregate classification (germline): Uncertain significance (1 of 4 stars; one submission).

Submission:

Labcorp Genetics (formerly Invitae), Labcorp
Classification: Uncertain significance. Last evaluated: 2022-01-10. Review status: criteria provided, single submitter. Criteria: Invitae Variant Classification Sherloc (09022015). Collection method: clinical testing. Allele origin: germline.
Comment: In summary, the available evidence is currently insufficient to determine the role of this variant in disease. Therefore, it has been classified as a Variant of Uncertain Significance. Algorithms developed to predict the effect of missense changes on protein structure and function are either unavailable or do not agree on the potential impact of this missense change (SIFT: "Tolerated"; PolyPhen-2: "Probably Damaging"; Align-GVGD: "Class C0"). This variant has not been reported in the literature in individuals affected with TACO1-related conditions. This variant is not present in population databases (gnomAD no frequency). This sequence change replaces isoleucine, which is neutral and non-polar, with threonine, which is neutral and polar, at codon 280 of the TACO1 protein (p.Ile280Thr).

NM_016360.4(TACO1):c.839T>C (p.Ile280Thr)

Gene: TACO1 (translational activator of cytochrome c oxidase I; plus strand). Cytogenetic location: 17q23.3.
Variant type: single nucleotide variant.
Coding change: c.839T>C on transcript NM_016360.4 (MANE Select); coding-DNA position 839, T replaced by C.
Protein change: p.Ile280Thr; replaces isoleucine 280 with threonine.
Molecular consequence: missense variant.
Genome position (GRCh38, 1-based): chr17:63,607,947, T>C. VCF-style: chr17-63607947-T-C. GRCh37 (hg19) VCF-style: chr17-61685307-T-C.
Other names: short protein forms I280T.
Identifiers: ClinVar variation 1945789 (VCV001945789.5), dbSNP rs2510882452, ClinGen allele CA400554508.